The following is an entry in ClinVar:

NM_001129820.2(SLFN14):c.846C>A (p.His282Gln)

Gene: SLFN14 (schlafen family member 14; minus strand). Cytogenetic location: 17q12.
Variant type: single nucleotide variant.
Coding change: c.846C>A on transcript NM_001129820.2 (MANE Select); coding-DNA position 846, C replaced by A.
Protein change: p.His282Gln; replaces histidine 282 with glutamine.
Molecular consequence: missense variant.
Genome position (GRCh38, 1-based): chr17:35,557,217, G>T on the plus strand (C>A on the coding strand, the complement: SLFN14 is on the minus strand). VCF-style: chr17-35557217-G-T. GRCh37 (hg19) VCF-style: chr17-33884236-G-T.
Other names: short protein forms H282Q.
Identifiers: ClinVar variation 4996435 (VCV004996435.1).
Genomic context (GRCh38, chr17:35,557,217, plus strand): 5'-TTTTTGGTACACATTCAGGATTTTTGTAGTGAAATTTACCTTTGGCTTCTCACAGCAGAA[G>T]TGGAATGTAGGCAATTTTTCTATGCAGTTTTCGATTTCTTTTTTTAGTAAGTCAGGATTC-3'
Protein context (NP_001123292.1, residues 272-292): ENCIEKLPTF[His282Gln]FCCEKPKVNF

ClinVar aggregate classification (germline): Uncertain significance (1 of 4 stars; one submission).

Conditions:
SLFN14-related disorder. Also called: SLFN14-related condition.

gnomAD v4.1: 5 of 1,551,602 alleles (0.00032%); highest among the groups gnomAD compares: African/African-American, 0.0068%; no homozygotes.

Submission:

PreventionGenetics, part of Exact Sciences
Classification: Uncertain significance for SLFN14-related condition. Last evaluated: 2026-04-21. Review status: criteria provided, single submitter. Criteria: ACMG Guidelines, 2015. Collection method: clinical testing. Allele origin: germline.
Comment: The SLFN14 c.846C>A variant is predicted to result in the amino acid substitution p.His282Gln. To our knowledge, this variant has not been reported in the literature. This variant is reported in 0.011% of alleles in individuals of African descent in gnomAD. At this time, the clinical significance of this variant is uncertain due to the absence of conclusive functional and genetic evidence.